The following is an entry in ClinVar:

NM_012186.3(FOXE3):c.265G>C (p.Gly89Arg)

Genes: FOXE3 (forkhead box E3; plus strand), LINC01389 (long independently transcribed non-coding RNA 1389; minus strand). Cytogenetic location: 1p33.
Variant type: single nucleotide variant.
Coding change: c.265G>C on transcript NM_012186.3 (MANE Select); coding-DNA position 265, G replaced by C.
Protein change: p.Gly89Arg; replaces glycine 89 with arginine.
Molecular consequence: missense variant.
Genome position (GRCh38, 1-based): chr1:47,416,580, G>C. VCF-style: chr1-47416580-G-C. GRCh37 (hg19) VCF-style: chr1-47882252-G-C.
Other names: short protein forms G89R.
Identifiers: ClinVar variation 4792583 (VCV004792583.1).

ClinVar aggregate classification (germline): Uncertain significance (1 of 4 stars; one submission).

Conditions:
Anterior segment dysgenesis. Also called: Ocular anterior segment dysgenesis. Identifiers: Orphanet 88632, MedGen C1862839, MONDO:0019503, HP:0007700.
Congenital primary aphakia. Also called: Anterior segment dysgenesis 2, multiple subtypes; ANTERIOR SEGMENT DYSGENESIS 2. Identifiers: Orphanet 83461, MedGen C1853230, MONDO:0012456, OMIM 610256.

gnomAD v4.1: 1 of 1,605,044 alleles (0.000062%); highest among the groups gnomAD compares: Non-Finnish European, 0.000085%; no homozygotes.

Submission:

Labcorp Genetics (formerly Invitae), Labcorp
Classification: Uncertain significance for Anterior segment dysgenesis; Congenital primary aphakia. Last evaluated: 2025-09-15. Review status: criteria provided, single submitter. Criteria: Invitae Variant Classification Sherloc (09022015). Collection method: clinical testing. Allele origin: germline.
Comment: This sequence change replaces glycine, which is neutral and non-polar, with arginine, which is basic and polar, at codon 89 of the FOXE3 protein (p.Gly89Arg). This variant is not present in population databases (gnomAD no frequency). This variant has not been reported in the literature in individuals affected with FOXE3-related conditions. Invitae Evidence Modeling of protein sequence and biophysical properties (such as structural, functional, and spatial information, amino acid conservation, physicochemical variation, residue mobility, and thermodynamic stability) indicates that this missense variant is not expected to disrupt FOXE3 protein function with a negative predictive value of 95%. In summary, the available evidence is currently insufficient to determine the role of this variant in disease. Therefore, it has been classified as a Variant of Uncertain Significance.